The following is an entry in ClinVar:

ClinVar aggregate classification (germline): Uncertain significance (1 of 4 stars; one submission).

Conditions:
Hereditary cancer-predisposing syndrome. Also called: Neoplastic Syndromes, Hereditary; Tumor predisposition; Hereditary Cancer Syndrome; Hereditary neoplastic syndrome. Identifiers: Orphanet 140162, MedGen C0027672, MeSH D009386, MONDO:0015356.

Submission:

Ambry Genetics
Classification: Uncertain significance for Hereditary cancer-predisposing syndrome. Last evaluated: 2025-04-20. Review status: criteria provided, single submitter. Criteria: Ambry Variant Classification Scheme 2023. Collection method: clinical testing. Allele origin: germline.
Comment: The p.D1188A variant (also known as c.3563A>C), located in coding exon 18 of the BLM gene, results from an A to C substitution at nucleotide position 3563. The aspartic acid at codon 1188 is replaced by alanine, an amino acid with dissimilar properties. This amino acid position is conserved. In addition, this alteration is predicted to be tolerated by in silico analysis. Since supporting evidence is limited at this time, the clinical significance of this alteration remains unclear.

NM_000057.4(BLM):c.3563A>C (p.Asp1188Ala)

Gene: BLM (BLM RecQ like helicase; plus strand). Cytogenetic location: 15q26.1.
Variant type: single nucleotide variant.
Coding change: c.3563A>C on transcript NM_000057.4 (MANE Select); coding-DNA position 3563, A replaced by C.
Protein change: p.Asp1188Ala; replaces aspartic acid 1188 with alanine.
Molecular consequence: missense variant. On other transcripts: intron variant (1).
Genome position (GRCh38, 1-based): chr15:90,804,171, A>C. VCF-style: chr15-90804171-A-C. GRCh37 (hg19) VCF-style: chr15-91347401-A-C.
Other names: c.3563A>C, p.Asp1188Ala (NM_001287246.2); c.2438A>C, p.Asp813Ala (NM_001287248.2); c.3359-4966A>C (NM_001287247.2); short protein forms D813A, D1188A.
Identifiers: ClinVar variation 1732724 (VCV001732724.3), dbSNP rs899745787, ClinGen allele CA393847882.